The following is an entry in ClinVar:

NM_001257293.2(HNRNPH1):c.362G>T (p.Gly121Val)

Genes: HNRNPH1 (heterogeneous nuclear ribonucleoprotein H1; minus strand), LOC128966623 (uncharacterized LOC128966623; plus strand). Cytogenetic location: 5q35.3.
Variant type: single nucleotide variant.
Coding change: c.362G>T on transcript NM_001257293.2 (MANE Select); coding-DNA position 362, G replaced by T.
Protein change: p.Gly121Val; replaces glycine 121 with valine.
Molecular consequence: missense variant. On other transcripts: 5 prime UTR variant (7).
Genome position (GRCh38, 1-based): chr5:179,620,927, C>A on the plus strand (G>T on the coding strand, the complement: HNRNPH1 is on the minus strand). VCF-style: chr5-179620927-C-A. GRCh37 (hg19) VCF-style: chr5-179047928-C-A.
Other names: c.362G>T, p.Gly121Val (NM_001395183.1, NM_001395184.1, NM_001395186.1 and 39 more transcripts); c.131G>T, p.Gly44Val (NM_001395190.1); c.206G>T, p.Gly69Val (NM_001364250.2); c.-103G>T (NM_001364251.2, NM_001364252.2, NM_001364253.2 and 4 more transcripts); short protein forms G121V, G44V, G69V.
Identifiers: ClinVar variation 4855044 (VCV004855044.1).

ClinVar aggregate classification (germline): Uncertain significance (1 of 4 stars; one submission).

Conditions:
Neurodevelopmental disorder with craniofacial dysmorphism and skeletal defects (NEDCDS). Identifiers: Orphanet 662207, MedGen C5774235, MONDO:0859301, OMIM 620083.

Submission:

3billion
Classification: Uncertain significance for Neurodevelopmental disorder with craniofacial dysmorphism and skeletal defects. Last evaluated: 2026-01-09. Review status: criteria provided, single submitter. Criteria: ACMG Guidelines, 2015. Collection method: clinical testing. Allele origin: germline. Affected: yes.
Comment: The variant is not observed in the gnomAD v4.1.0 dataset. Predicted Consequence/Location: Missense variant In silico tool predictions suggest damaging effect of the variant on gene or gene product [REVEL: 0.35 (>=0.6, sensitivity 0.68 and specificity 0.92); 3Cnet: 0.96 (> 0.75, sensitivity 0.96 and precision 0.92)]. Therefore, this variant is classified as VUS according to the recommendation of ACMG/AMP guideline.